The following is an entry in ClinVar:

ClinVar aggregate classification (germline): Uncertain significance (1 of 4 stars; one submission).

Submission:

Labcorp Genetics (formerly Invitae), Labcorp
Classification: Uncertain significance. Last evaluated: 2021-11-23. Review status: criteria provided, single submitter. Criteria: Invitae Variant Classification Sherloc (09022015). Collection method: clinical testing. Allele origin: germline.
Comment: This variant has not been reported in the literature in individuals affected with SLC1A2-related conditions. In summary, the available evidence is currently insufficient to determine the role of this variant in disease. Therefore, it has been classified as a Variant of Uncertain Significance. Algorithms developed to predict the effect of missense changes on protein structure and function (SIFT, PolyPhen-2, Align-GVGD) all suggest that this variant is likely to be tolerated. This variant is not present in population databases (gnomAD no frequency). This sequence change replaces glutamic acid, which is acidic and polar, with alanine, which is neutral and non-polar, at codon 235 of the SLC1A2 protein (p.Glu235Ala).

NM_004171.4(SLC1A2):c.704A>C (p.Glu235Ala)

Gene: SLC1A2 (solute carrier family 1 member 2; minus strand). Cytogenetic location: 11p13.
Variant type: single nucleotide variant.
Coding change: c.704A>C on transcript NM_004171.4 (MANE Select); coding-DNA position 704, A replaced by C.
Protein change: p.Glu235Ala; replaces glutamic acid 235 with alanine.
Molecular consequence: missense variant.
Genome position (GRCh38, 1-based): chr11:35,306,100, T>G on the plus strand (A>C on the coding strand, the complement: SLC1A2 is on the minus strand). VCF-style: chr11-35306100-T-G. GRCh37 (hg19) VCF-style: chr11-35327647-T-G.
Other names: c.677A>C, p.Glu226Ala (NM_001195728.3, NM_001252652.2); short protein forms E226A, E235A.
Identifiers: ClinVar variation 1472281 (VCV001472281.6), dbSNP rs2134828170, ClinGen allele CA380127713.